The following is an entry in ClinVar:

ClinVar aggregate classification (germline): Uncertain significance (1 of 4 stars; one submission).

Submission:

Quest Diagnostics Nichols Institute San Juan Capistrano
Classification: Uncertain significance. Last evaluated: 2023-09-14. Review status: criteria provided, single submitter. Criteria: Quest Diagnostics criteria. Collection method: clinical testing. Allele origin: unknown.
Comment: In the published literature, this variant has been reported in individuals with FH-deficient uterine leiomyomas (PMID: 32612247 (2020)). This variant has not been reported in large, multi-ethnic general populations (Genome Aggregation Database). Analysis of this variant using bioinformatics tools for the prediction of the effect of amino acid changes on protein structure and function yielded predictions that this variant is damaging. Based on the available information, we are unable to determine the clinical significance of this variant.

Literature cited by the submitters: PubMed 32612247.

NM_000143.4(FH):c.995C>T (p.Ala332Val)

Gene: FH (fumarate hydratase; minus strand). Cytogenetic location: 1q43.
Variant type: single nucleotide variant.
Coding change: c.995C>T on transcript NM_000143.4 (MANE Select); coding-DNA position 995, C replaced by T.
Protein change: p.Ala332Val; replaces alanine 332 with valine.
Molecular consequence: missense variant.
Genome position (GRCh38, 1-based): chr1:241,504,155, G>A on the plus strand (C>T on the coding strand, the complement: FH is on the minus strand). VCF-style: chr1-241504155-G-A. GRCh37 (hg19) VCF-style: chr1-241667455-G-A.
Other names: short protein forms A332V.
Identifiers: ClinVar variation 2681942 (VCV002681942.1), dbSNP rs2147916201, ClinGen allele CA345438259.